The following is an entry in ClinVar:

ClinVar aggregate classification (germline): Pathogenic. Review status: reviewed by expert panel (3 of 4 stars). 5 submissions from 5 submitters: Pathogenic (1). 4 of the submissions do not count toward it. Last evaluated 2016-10-18.

Conditions:
Hereditary breast ovarian cancer syndrome. Also called: Hereditary breast and ovarian cancer syndrome (HBOC); Breast and ovarian cancer; Hereditary breast and ovarian cancer syndrome; Hereditary breast and ovarian cancer; BRCA1- and BRCA2-Associated Hereditary Breast and Ovarian Cancer; Hereditary breast and/or ovarian cancer syndrome. Identifiers: Orphanet 145, MedGen C0677776, MeSH D061325, MONDO:0003582. Disease mechanism: loss of function.
Breast-ovarian cancer, familial, susceptibility to, 1 (BROVCA1). Also called: BRCA1 Hereditary Breast and Ovarian Cancer; OVARIAN CANCER, SUSCEPTIBILITY TO. Identifiers: Orphanet 145, MedGen C2676676, MONDO:0011450, OMIM 604370. Disease mechanism: loss of function.

Submissions (5):

Evidence-based Network for the Interpretation of Germline Mutant Alleles (ENIGMA)
Classification: Pathogenic for Breast-ovarian cancer, familial, susceptibility to, 1. Last evaluated: 2016-10-18. Review status: reviewed by expert panel. Criteria: ENIGMA BRCA1/2 Classification Criteria (2015). Collection method: curation. Allele origin: germline.
Comment: Variant allele predicted to encode a truncated non-functional protein.

Labcorp Genetics (formerly Invitae), Labcorp
Classification: Pathogenic for Hereditary breast ovarian cancer syndrome. Last evaluated: 2019-07-02. Review status: criteria provided, single submitter. Criteria: Invitae Variant Classification Sherloc (09022015). Collection method: clinical testing. Allele origin: germline. Not counted in ClinVar's aggregate classification.
Comment: This variant has been reported in individuals in the Leiden Open-source Variation Database (PMID: 21520333). ClinVar contains an entry for this variant (Variation ID: 266518). This sequence change creates a premature translational stop signal (p.Thr1681Metfs*9) in the BRCA1 gene. It is expected to result in an absent or disrupted protein product. This variant is not present in population databases (ExAC no frequency). Loss-of-function variants in BRCA1 are known to be pathogenic (PMID: 20104584). For these reasons, this variant has been classified as Pathogenic.

Quest Diagnostics Nichols Institute San Juan Capistrano
Classification: Pathogenic. Last evaluated: 2018-01-19. Review status: criteria provided, single submitter. Criteria: Quest Diagnostics criteria. Collection method: clinical testing. Allele origin: germline. Not counted in ClinVar's aggregate classification.

Consortium of Investigators of Modifiers of BRCA1/2 (CIMBA), c/o University of Cambridge
Classification: Pathogenic for Breast-ovarian cancer, familial, susceptibility to, 1. Last evaluated: 2015-10-02. Review status: criteria provided, single submitter. Criteria: CIMBA Mutation Classification guidelines May 2016. Collection method: clinical testing. Allele origin: germline. Not counted in ClinVar's aggregate classification.

Research Molecular Genetics Laboratory, Women's College Hospital, University of Toronto
Classification: Pathogenic for Hereditary breast ovarian cancer syndrome. Last evaluated: 2014-01-31. Review status: no assertion criteria provided. Collection method: research. Allele origin: germline. Affected: yes. Study: The Canadian Open Genetics Repository (COGR). Not counted in ClinVar's aggregate classification.

Literature cited by the submitters: PubMed 21520333 (cited by Labcorp Genetics (formerly Invitae), Labcorp); PubMed 20104584 (cited by Labcorp Genetics (formerly Invitae), Labcorp).

NM_007294.4(BRCA1):c.5042del (p.Thr1681fs)

Gene: BRCA1 (BRCA1 DNA repair associated; minus strand). Cytogenetic location: 17q21.31.
Variant type: Deletion.
Coding change: c.5042del on transcript NM_007294.4 (MANE Select); coding-DNA position 5042, one base deleted (C; older notation c.5042delC).
Protein change: p.Thr1681fs; shifts the reading frame from threonine 1681.
Molecular consequence: frameshift variant. On other transcripts: non-coding transcript variant (1).
Genome position (GRCh38, 1-based): chr17:43,067,640, G deleted on the plus strand (C on the coding strand, the reverse complement: BRCA1 is on the minus strand). VCF-style (leftmost placement, unchanged base first): chr17-43067639-AG-A. GRCh37 (hg19) VCF-style: chr17-41219656-AG-A.
Other names: 5161delC; c.4829delC, p.Thr1610Metfs (NM_001407571.1, NM_001407894.1, NM_001407895.1 and 12 more transcripts); c.5108delC, p.Thr1703Metfs (NM_001407581.1, NM_001407582.1); c.5105delC, p.Thr1702Metfs (NM_001407583.1, NM_001407585.1, NM_001407587.1); c.5102delC, p.Thr1701Metfs (NM_001407590.1, NM_001407591.1); c.5042delC, p.Thr1681Metfs (NM_001407593.1, NM_001407594.1, NM_001407596.1 and 8 more transcripts); c.5039delC, p.Thr1680Metfs (NM_001407610.1, NM_001407611.1, NM_001407612.1 and 17 more transcripts); c.5036delC, p.Thr1679Metfs (NM_001407627.1, NM_001407628.1, NM_001407629.1 and 14 more transcripts); and 74 more; short protein forms T1634fs, T1681fs, T577fs, T1702fs.
Identifiers: ClinVar variation 266518 (VCV000266518.15), dbSNP rs886040265, ClinGen allele CA10589626.
Genomic context (GRCh38, chr17:43,067,639, plus strand): 5'-AAGGTATTCTGTAAAGGTTCTTGGTATACCTGTTTTCATAACAACATGAGTAGTCTCTTC[AG>A]TAATTAGATTAGTTAAAGTGATGTGGTGTTTTCTGGCAAACTTGTACACGAGCATCTGAA-3'